The following is an entry in ClinVar:

NM_001291303.3(FAT4):c.9001G>T (p.Gly3001Cys)

Gene: FAT4 (FAT atypical cadherin 4; plus strand). Cytogenetic location: 4q28.1.
Variant type: single nucleotide variant.
Coding change: c.9001G>T on transcript NM_001291303.3 (MANE Select); coding-DNA position 9001, G replaced by T.
Protein change: p.Gly3001Cys; replaces glycine 3001 with cysteine.
Molecular consequence: missense variant.
Genome position (GRCh38, 1-based): chr4:125,450,011, G>T. VCF-style: chr4-125450011-G-T. GRCh37 (hg19) VCF-style: chr4-126371166-G-T.
Other names: c.9001G>T, p.Gly3001Cys (NM_001291285.3); c.8995G>T, p.Gly2999Cys (NM_024582.6); short protein forms G2999C, G3001C.
Identifiers: ClinVar variation 1900657 (VCV001900657.5), dbSNP rs1725991485, ClinGen allele CA358148828.
Genomic context (GRCh38, chr4:125,450,011, plus strand): 5'-AATGCACCTCAATTTCTTAAAAGTAAATATTTCACTCCAGTCACCAAAAATGTTAAGGTT[G>T]GTACGAAGTTAATCAGAGTTACAGCAATAGATGACAAAGATTTTGGACTGAATTCAGAAG-3'
Protein context (NP_001278232.1, residues 2991-3011): FTPVTKNVKV[Gly3001Cys]TKLIRVTAID

ClinVar aggregate classification (germline): Uncertain significance (1 of 4 stars; one submission).

Allele frequency attached by ClinVar (database versions not stated): TOPMed below 0.00001.

Submission:

Labcorp Genetics (formerly Invitae), Labcorp
Classification: Uncertain significance. Last evaluated: 2022-07-13. Review status: criteria provided, single submitter. Criteria: Invitae Variant Classification Sherloc (09022015). Collection method: clinical testing. Allele origin: germline.
Comment: This sequence change replaces glycine, which is neutral and non-polar, with cysteine, which is neutral and slightly polar, at codon 2999 of the FAT4 protein (p.Gly2999Cys). In summary, the available evidence is currently insufficient to determine the role of this variant in disease. Therefore, it has been classified as a Variant of Uncertain Significance. Algorithms developed to predict the effect of missense changes on protein structure and function (SIFT, PolyPhen-2, Align-GVGD) all suggest that this variant is likely to be disruptive. This variant has not been reported in the literature in individuals affected with FAT4-related conditions. This variant is not present in population databases (gnomAD no frequency).